The following is an entry in ClinVar:

ClinVar aggregate classification (germline): Uncertain significance. Review status: criteria provided, multiple submitters, no conflicts (2 of 4 stars). 2 submissions from 2 submitters: Uncertain significance (2). Last evaluated 2025-08-01.

Allele frequency attached by ClinVar (database versions not stated): ExAC 0.00007; ESP Exome Variant Server 0.00008; gnomAD 0.00008; TOPMed 0.00010; gnomAD exomes 0.00012.
gnomAD v4.1: 188 of 1,614,112 alleles (0.012%); highest among the groups gnomAD compares: Non-Finnish European, 0.016%; no homozygotes.

Submissions (2):

Ambry Genetics
Classification: Uncertain significance. Last evaluated: 2025-08-01. Review status: criteria provided, single submitter. Criteria: Ambry Variant Classification Scheme 2023. Collection method: clinical testing. Allele origin: germline.

GeneDx
Classification: Uncertain significance. Last evaluated: 2025-01-23. Review status: criteria provided, single submitter. Criteria: GeneDx Variant Classification Process June 2021. Collection method: clinical testing. Allele origin: germline. Affected: yes.
Comment: In silico analysis indicates that this missense variant does not alter protein structure/function; Has not been previously published as pathogenic or benign to our knowledge

NM_004568.6(SERPINB6):c.188G>A (p.Gly63Asp)

Gene: SERPINB6 (serpin family B member 6; minus strand). Cytogenetic location: 6p25.2.
Variant type: single nucleotide variant.
Coding change: c.188G>A on transcript NM_004568.6 (MANE Select); coding-DNA position 188, G replaced by A.
Protein change: p.Gly63Asp; replaces glycine 63 with aspartic acid.
Molecular consequence: missense variant. On other transcripts: non-coding transcript variant (1).
Genome position (GRCh38, 1-based): chr6:2,955,648, C>T on the plus strand (G>A on the coding strand, the complement: SERPINB6 is on the minus strand). VCF-style: chr6-2955648-C-T. GRCh37 (hg19) VCF-style: chr6-2955882-C-T.
Other names: c.200G>A, p.Gly67Asp (NM_001195291.3, NM_001374515.1); c.230G>A, p.Gly77Asp (NM_001271822.2); c.245G>A, p.Gly82Asp (NM_001271823.2); c.188G>A, p.Gly63Asp (NM_001271824.2, NM_001271825.2, NM_001297699.2 and 2 more transcripts); c.56G>A, p.Gly19Asp (NM_001374517.1); short protein forms G19D, G67D, G82D, G77D, G63D.
Identifiers: ClinVar variation 2520180 (VCV002520180.4), dbSNP rs368352906, ClinGen allele CA3617625.